The following is an entry in ClinVar:

NM_000836.4(GRIN2D):c.3061G>A (p.Ala1021Thr)

Gene: GRIN2D (glutamate ionotropic receptor NMDA type subunit 2D; plus strand). Cytogenetic location: 19q13.33.
Variant type: single nucleotide variant.
Coding change: c.3061G>A on transcript NM_000836.4 (MANE Select); coding-DNA position 3061, G replaced by A.
Protein change: p.Ala1021Thr; replaces alanine 1021 with threonine.
Molecular consequence: missense variant.
Genome position (GRCh38, 1-based): chr19:48,442,987, G>A. VCF-style: chr19-48442987-G-A. GRCh37 (hg19) VCF-style: chr19-48946244-G-A.
Other names: short protein forms A1021T.
Identifiers: ClinVar variation 2969625 (VCV002969625.3), dbSNP rs112197616, ClinGen allele CA406674798.
Genomic context (GRCh38, chr19:48,442,987, plus strand): 5'-CAGAAGCCGCCGCCCTCCTATTTCGCCATCGTACGCGACAAGGAGCCAGCCGAGCCCCCC[G>A]CCGGCGCCTTCCCCGGCTTCCCGTCGCCGCCCGCGCCCCCCGCCGCCGCGGCCACCGCCG-3'
Protein context (NP_000827.2, residues 1011-1031): VRDKEPAEPP[Ala1021Thr]GAFPGFPSPP

ClinVar aggregate classification (germline): Uncertain significance (1 of 4 stars; one submission).

Allele frequency attached by ClinVar (database versions not stated): gnomAD exomes below 0.00001.

Submission:

Labcorp Genetics (formerly Invitae), Labcorp
Classification: Uncertain significance. Last evaluated: 2023-03-29. Review status: criteria provided, single submitter. Criteria: Invitae Variant Classification Sherloc (09022015). Collection method: clinical testing. Allele origin: germline.
Comment: In summary, the available evidence is currently insufficient to determine the role of this variant in disease. Therefore, it has been classified as a Variant of Uncertain Significance. Advanced modeling of protein sequence and biophysical properties (such as structural, functional, and spatial information, amino acid conservation, physicochemical variation, residue mobility, and thermodynamic stability) performed at Invitae indicates that this missense variant is not expected to disrupt GRIN2D protein function. This variant has not been reported in the literature in individuals affected with GRIN2D-related conditions. This variant is not present in population databases (gnomAD no frequency). This sequence change replaces alanine, which is neutral and non-polar, with threonine, which is neutral and polar, at codon 1021 of the GRIN2D protein (p.Ala1021Thr).